The following is an entry in ClinVar:

ClinVar aggregate classification (germline): Uncertain significance (1 of 4 stars; one submission).

Conditions:
Joubert syndrome 23 (JBTS23). Identifiers: Orphanet 475, MedGen C4084822, MONDO:0014664, OMIM 616490.
Short-rib thoracic dysplasia 14 with polydactyly (SRTD14). Identifiers: Orphanet 397715, MedGen C4225286, MONDO:0014688, OMIM 616546.

Allele frequency attached by ClinVar (database versions not stated): gnomAD exomes below 0.00001.
gnomAD v4.1: 1 of 1,613,936 alleles (0.000062%); highest among the groups gnomAD compares: South Asian, 0.0011%; no homozygotes.

Submission:

Labcorp Genetics (formerly Invitae), Labcorp
Classification: Uncertain significance for Joubert syndrome 23; Short-rib thoracic dysplasia 14 with polydactyly. Last evaluated: 2022-03-28. Review status: criteria provided, single submitter. Criteria: Invitae Variant Classification Sherloc (09022015). Collection method: clinical testing. Allele origin: germline.
Comment: Algorithms developed to predict the effect of missense changes on protein structure and function are either unavailable or do not agree on the potential impact of this missense change (SIFT: "Tolerated"; PolyPhen-2: "Possibly Damaging"; Align-GVGD: "Class C0"). In summary, the available evidence is currently insufficient to determine the role of this variant in disease. Therefore, it has been classified as a Variant of Uncertain Significance. This variant has not been reported in the literature in individuals affected with KIAA0586-related conditions. This variant is not present in population databases (gnomAD no frequency). This sequence change replaces lysine, which is basic and polar, with asparagine, which is neutral and polar, at codon 23 of the KIAA0586 protein (p.Lys23Asn).

NM_001329943.3(KIAA0586):c.33A>T (p.Lys11Asn)

Gene: KIAA0586 (KIAA0586; plus strand). Cytogenetic location: 14q23.1.
Variant type: single nucleotide variant.
Coding change: c.33A>T on transcript NM_001329943.3 (MANE Select); coding-DNA position 33, A replaced by T.
Protein change: p.Lys11Asn; replaces lysine 11 with asparagine.
Molecular consequence: missense variant. On other transcripts: 5 prime UTR variant (1), intron variant (5).
Genome position (GRCh38, 1-based): chr14:58,428,297, A>T. VCF-style: chr14-58428297-A-T. GRCh37 (hg19) VCF-style: chr14-58895015-A-T.
Other names: c.69A>T, p.Lys23Asn (NM_001244189.2); c.-13A>T (NM_001244190.2); c.33A>T, p.Lys11Asn (NM_001329944.2, NM_001329946.2, NM_001329947.2 and 1 more transcripts); c.-57+660A>T (NM_001244192.2, NM_001244191.2); c.-57+484A>T (NM_001364701.2, NM_001329945.2, NM_001364700.1); short protein forms K11N, K23N.
Identifiers: ClinVar variation 2119116 (VCV002119116.2), dbSNP rs2140373069, ClinGen allele CA389858986.
Genomic context (GRCh38, chr14:58,428,297, plus strand): 5'-GTGTGGGACTTGTTTTGTGACCAACAATATGAAAGGCTCTGAGGTCAGCTTGGAGAAGAA[A>T]AAAAAGATTAAGATGCCAGTGAAGAGACTTCGTGAGGTAGTTTCTCAAAATCATGGAGAT-3'
Protein context (NP_001316872.1, residues 1-21): MKGSEVSLEK[Lys11Asn]KKIKMPVKRL